The following is an entry in ClinVar:

NM_002230.4(JUP):c.79C>A (p.His27Asn)

Gene: JUP (junction plakoglobin; minus strand). Cytogenetic location: 17q21.2.
Variant type: single nucleotide variant.
Coding change: c.79C>A on transcript NM_002230.4 (MANE Select); coding-DNA position 79, C replaced by A.
Protein change: p.His27Asn; replaces histidine 27 with asparagine.
Molecular consequence: missense variant.
Genome position (GRCh38, 1-based): chr17:41,771,776, G>T on the plus strand (C>A on the coding strand, the complement: JUP is on the minus strand). VCF-style: chr17-41771776-G-T. GRCh37 (hg19) VCF-style: chr17-39928028-G-T.
Other names: c.79C>A, p.His27Asn (NM_001352773.2, NM_001352774.2, NM_001352775.2 and 3 more transcripts); short protein forms H27N.
Identifiers: ClinVar variation 4794545 (VCV004794545.1).

ClinVar aggregate classification (germline): Uncertain significance (1 of 4 stars; one submission).

Conditions:
Arrhythmogenic right ventricular dysplasia 12. Also called: ARRHYTHMOGENIC RIGHT VENTRICULAR DYSPLASIA, FAMILIAL, 12. Identifiers: MedGen C1969081, MONDO:0012684, OMIM 611528.
Naxos disease (NXD). Also called: PALMOPLANTAR KERATODERMA WITH ARRHYTHMOGENIC RIGHT VENTRICULAR CARDIOMYOPATHY AND WOOLLY HAIR; WOOLLY HAIR, PALMOPLANTAR KERATODERMA, AND CARDIAC ABNORMALITIES; CARDIOMYOPATHY, ARRHYTHMOGENIC RIGHT VENTRICULAR, WITH SKIN, HAIR, AND NAIL ABNORMALITIES; KERATOSIS PALMOPLANTARIS WITH ARRHYTHMOGENIC CARDIOMYOPATHY; MAL DE NAXOS. Identifiers: Orphanet 34217, MedGen C1832600, MONDO:0011017, OMIM 601214.

Submission:

Labcorp Genetics (formerly Invitae), Labcorp
Classification: Uncertain significance for Arrhythmogenic right ventricular dysplasia 12; Naxos disease. Last evaluated: 2025-05-13. Review status: criteria provided, single submitter. Criteria: Invitae Variant Classification Sherloc (09022015). Collection method: clinical testing. Allele origin: germline.
Comment: This sequence change replaces histidine, which is basic and polar, with asparagine, which is neutral and polar, at codon 27 of the JUP protein (p.His27Asn). This variant is not present in population databases (gnomAD no frequency). This variant has not been reported in the literature in individuals affected with JUP-related conditions. An algorithm developed to predict the effect of missense changes on protein structure and function (PolyPhen-2) suggests that this variant is likely to be tolerated. In summary, the available evidence is currently insufficient to determine the role of this variant in disease. Therefore, it has been classified as a Variant of Uncertain Significance.